The following is an entry in ClinVar:

ClinVar aggregate classification (germline): Pathogenic/Likely pathogenic. Review status: criteria provided, multiple submitters, no conflicts (2 of 4 stars). 5 submissions from 5 submitters: Pathogenic (1); Likely pathogenic (4). Last evaluated 2025-10-07.

Conditions:
Ectopia lentis 1, isolated, autosomal dominant (ECTOL1). Identifiers: Orphanet 1885, MedGen C3541518, MONDO:0007514, OMIM 129600.
Marfan syndrome (MFS). Also called: Marfan's syndrome; Marfan syndrome, classic; MARFAN SYNDROME, TYPE I; Marfan syndrome type 1; FBN1-Related Marfan Syndrome. Identifiers: Orphanet 284963, Orphanet 558, MedGen C0024796, MONDO:0007947, OMIM 154700.
Familial thoracic aortic aneurysm and aortic dissection (TAAD). Also called: Thoracic aortic aneurysms and dissections. Identifiers: Orphanet 91387, MedGen C4707243, MONDO:0019625.

Allele frequency attached by ClinVar (database versions not stated): gnomAD exomes below 0.00001.
gnomAD v4.1: 1 of 1,614,042 alleles (0.000062%); highest among the groups gnomAD compares: Non-Finnish European, 0.000085%; no homozygotes.

Submissions (5):

Variantyx, Inc.
Classification: Likely pathogenic for Ectopia lentis 1, isolated, autosomal dominant. Last evaluated: 2025-10-07. Review status: criteria provided, single submitter. Criteria: Variantyx Assertion Criteria 2022. Collection method: clinical testing. Allele origin: germline. Inheritance: Autosomal dominant inheritance. Affected: yes.
Comment: This is a nonsynonymous variant in the FBN1 gene (OMIM: 134797). Pathogenic variants in this gene have been associated with autosomal dominant familial ectopia lentis. This variant has been reported in at least four unrelated affected individuals (PMID: 17657824, 34281902, 38958168) (PS4_Moderate). The alteration lies within a known hotspot for pathogenic variants or a well-established critical functional domain of the FBN1 protein (PMID: 16905551, 19349279) (PM1), and multiple computational algorithms predict a deleterious effect for this variant (REVEL score: 0.975) (PP3). This variant has a 0.0001% maximum allele frequency in non-founder control populations (PM2). Based on the current evidence, this variant is classified as likely pathogenic for autosomal dominant familial ectopia lentis.

Labcorp Genetics (formerly Invitae), Labcorp
Classification: Pathogenic for Marfan syndrome; Familial thoracic aortic aneurysm and aortic dissection. Last evaluated: 2025-09-23. Review status: criteria provided, single submitter. Criteria: Invitae Variant Classification Sherloc (09022015). Collection method: clinical testing. Allele origin: germline.
Comment: This sequence change replaces cysteine, which is neutral and slightly polar, with arginine, which is basic and polar, at codon 1622 of the FBN1 protein (p.Cys1622Arg). This variant is not present in population databases (gnomAD no frequency). This missense change has been observed in individuals with Marfan syndrome (PMID: 17657824, 24501682). ClinVar contains an entry for this variant (Variation ID: 1743659). Invitae Evidence Modeling of protein sequence and biophysical properties (such as structural, functional, and spatial information, amino acid conservation, physicochemical variation, residue mobility, and thermodynamic stability) indicates that this missense variant is expected to disrupt FBN1 protein function with a positive predictive value of 95%. This variant affects a cysteine residue in the EGF-like, TGFBP or hybrid motif domains of FBN1. Cysteine residues are believed to be involved in intramolecular disulfide bridges and have been shown to be important for FBN1 protein structure (PMID: 16905551, 19349279). In addition, missense substitutions affecting cysteine residues within these domains are significantly overrepresented among patients with Marfan syndrome (PMID: 16571647, 17701892). For these reasons, this variant has been classified as Pathogenic.

GeneDx
Classification: Likely pathogenic. Last evaluated: 2023-05-22. Review status: criteria provided, single submitter. Criteria: GeneDx Variant Classification Process June 2021. Collection method: clinical testing. Allele origin: germline. Affected: yes.
Comment: Located in the EGF-like 27 domain and C-terminal domain, both of which are intolerant to change; Not observed at significant frequency in large population cohorts (gnomAD); In silico analysis supports that this missense variant has a deleterious effect on protein structure/function; This variant is associated with the following publications: (PMID: 17657824, 34550612, 34818515)

CHEO Genetics Diagnostic Laboratory, Children's Hospital of Eastern Ontario
Classification: Likely pathogenic for Familial thoracic aortic aneurysm and aortic dissection. Last evaluated: 2022-03-15. Review status: criteria provided, single submitter. Criteria: ACMG Guidelines, 2015. Collection method: clinical testing. Allele origin: germline.

Ambry Genetics
Classification: Likely pathogenic for Familial thoracic aortic aneurysm and aortic dissection. Last evaluated: 2020-05-07. Review status: criteria provided, single submitter. Criteria: Ambry Variant Classification Scheme 2023. Collection method: clinical testing. Allele origin: germline.
Comment: The p.C1622R variant (also known as c.4864T>C), located in coding exon 39 of the FBN1 gene, results from a T to C substitution at nucleotide position 4864. The cysteine at codon 1622 is replaced by arginine, an amino acid with highly dissimilar properties, and is located in the cbEGF-like #23 domain. This alteration has been reported in an individual with classical Marfan syndrome (MFS), an individual with incomplete MFS, and in an MFS cohort with limited clinical details (Comeglio P et al. Hum. Mutat., 2007 Sep;28:928; McInerney-Leo AM et al. Bonekey Rep, 2013 Dec;2:456). This amino acid position is highly conserved in available vertebrate species. In addition, this alteration is predicted to be deleterious by in silico analysis. Based on internal structural assessment, this alteration eliminates a structurally critical disulfide in the structurally sensitive cbEGF domain #23 (Lee SS et al. Structure, 2004 Apr;12:717-29). The majority of FBN1 mutations identified to date have involved the substitution or generation of cysteine residues within cbEGF domains (Vollbrandt T et al. J Biol Chem. 2004;279(31):32924-32931). Based on the majority of available evidence to date, this variant is likely to be pathogenic.

Literature cited by the submitters: PubMed 17657824 (cited by 3 submitters); PubMed 34281902 (cited by Variantyx, Inc.); PubMed 38958168 (cited by Variantyx, Inc.); PubMed 24501682 (cited by Labcorp Genetics (formerly Invitae), Labcorp and Ambry Genetics); PubMed 16905551 (cited by Labcorp Genetics (formerly Invitae), Labcorp); PubMed 19349279 (cited by Labcorp Genetics (formerly Invitae), Labcorp); PubMed 16571647 (cited by Labcorp Genetics (formerly Invitae), Labcorp); PubMed 17701892 (cited by Labcorp Genetics (formerly Invitae), Labcorp); PubMed 15062093 (cited by Ambry Genetics).

NM_000138.5(FBN1):c.4864T>C (p.Cys1622Arg)

Gene: FBN1 (fibrillin 1; minus strand). Cytogenetic location: 15q21.1.
Variant type: single nucleotide variant.
Coding change: c.4864T>C on transcript NM_000138.5 (MANE Select); coding-DNA position 4864, T replaced by C.
Protein change: p.Cys1622Arg; replaces cysteine 1622 with arginine.
Molecular consequence: missense variant.
Genome position (GRCh38, 1-based): chr15:48,465,646, A>G on the plus strand (T>C on the coding strand, the complement: FBN1 is on the minus strand). VCF-style: chr15-48465646-A-G. GRCh37 (hg19) VCF-style: chr15-48757843-A-G.
Other names: c.4864T>C, p.Cys1622Arg (NM_001406716.1); short protein forms C1622R.
Identifiers: ClinVar variation 1743659 (VCV001743659.11), dbSNP rs2505497067, ClinGen allele CA392351222.